The following is an entry in ClinVar:

NM_006218.4(PIK3CA):c.29T>C (p.Leu10Pro)

Gene: PIK3CA (phosphatidylinositol-4,5-bisphosphate 3-kinase catalytic subunit alpha; plus strand). Cytogenetic location: 3q26.32.
Variant type: single nucleotide variant.
Coding change: c.29T>C on transcript NM_006218.4 (MANE Select); coding-DNA position 29, T replaced by C.
Protein change: p.Leu10Pro; replaces leucine 10 with proline.
Molecular consequence: missense variant.
Genome position (GRCh38, 1-based): chr3:179,198,854, T>C. VCF-style: chr3-179198854-T-C. GRCh37 (hg19) VCF-style: chr3-178916642-T-C.
Other names: short protein forms L10P.
Identifiers: ClinVar variation 2500565 (VCV002500565.1), dbSNP rs2108385050, ClinGen allele CA355270329.

ClinVar aggregate classification (germline): Uncertain significance (1 of 4 stars; one submission).

Submission:

GeneDx
Classification: Uncertain significance. Last evaluated: 2022-10-31. Review status: criteria provided, single submitter. Criteria: GeneDx Variant Classification Process June 2021. Collection method: clinical testing. Allele origin: germline. Affected: yes.
Comment: Not observed at significant frequency in large population cohorts (gnomAD); In silico analysis supports that this missense variant has a deleterious effect on protein structure/function; Has not been previously published as pathogenic or benign to our knowledge